The following is an entry in ClinVar:

NM_000393.5(COL5A2):c.2337+143A>G

Gene: COL5A2 (collagen type V alpha 2 chain; minus strand). Cytogenetic location: 2q32.2.
Variant type: single nucleotide variant.
Coding change: c.2337+143A>G on transcript NM_000393.5 (MANE Select); 143 bases into the intron after coding-DNA position 2337, A replaced by G.
Molecular consequence: intron variant.
Genome position (GRCh38, 1-based): chr2:189,057,177, T>C on the plus strand (A>G on the coding strand, the complement: COL5A2 is on the minus strand). VCF-style: chr2-189057177-T-C. GRCh37 (hg19) VCF-style: chr2-189921903-T-C.
Identifiers: ClinVar variation 676074 (VCV000676074.2), dbSNP rs73978813, ClinGen allele CA62599264.

ClinVar aggregate classification (germline): Likely benign. Review status: criteria provided, multiple submitters, no conflicts (2 of 4 stars). 2 submissions from 2 submitters: Likely benign (2). Last evaluated 2018-06-14.

Allele frequency attached by ClinVar (database versions not stated): gnomAD exomes 0.00098; 1000 Genomes Project 0.00919; 1000 Genomes Project 30x 0.00937; gnomAD 0.00970 and 0.01036; TOPMed 0.01053.
gnomAD v4.1: 2,324 of 1,038,928 alleles (0.22%); highest among the groups gnomAD compares: African/African-American, 3.3%; 29 homozygotes.

Submissions (2):

GeneDx
Classification: Likely benign. Last evaluated: 2018-06-14. Review status: criteria provided, single submitter. Criteria: GeneDx Variant Classification (06012015). Collection method: clinical testing. Allele origin: germline. Affected: yes.
Comment: This variant is considered likely benign or benign based on one or more of the following criteria: it is a conservative change, it occurs at a poorly conserved position in the protein, it is predicted to be benign by multiple in silico algorithms, and/or has population frequency not consistent with disease.

Breakthrough Genomics
Classification: Likely benign. Review status: criteria provided, single submitter. Criteria: ACMG Guidelines, 2015. Collection method: not provided. Allele origin: germline. Inheritance: Autosomal dominant inheritance. Affected: yes.